The following is an entry in ClinVar:

ClinVar aggregate classification (germline): Pathogenic (1 of 4 stars; one submission).

Conditions:
Jeune thoracic dystrophy. Also called: Short-rib thoracic dysplasia; Jeune syndrome; Infantile thoracic dystrophy; Thoracic pelvic phalangeal dystrophy; Jeune's syndrome; Chondroectodermal dysplasia-like syndrome. Identifiers: Orphanet 474, MedGen C0265275, MONDO:0018770.

Submission:

Labcorp Genetics (formerly Invitae), Labcorp
Classification: Pathogenic for Jeune thoracic dystrophy. Last evaluated: 2025-12-01. Review status: criteria provided, single submitter. Criteria: Invitae Variant Classification Sherloc (09022015). Collection method: clinical testing. Allele origin: germline.
Comment: This sequence change creates a premature translational stop signal (p.Gln526*) in the DYNC2H1 gene. It is expected to result in an absent or disrupted protein product. Loss-of-function variants in DYNC2H1 are known to be pathogenic (PMID: 23339108, 32753734, 33755199). This variant is not present in population databases (gnomAD no frequency). This variant has not been reported in the literature in individuals affected with DYNC2H1-related conditions. Algorithms developed to predict the effect of sequence changes on RNA splicing suggest that this variant may disrupt the consensus splice site. For these reasons, this variant has been classified as Pathogenic.

Literature cited by the submitters: PubMed 23339108; PubMed 32753734; PubMed 33755199.

NM_001377.3(DYNC2H1):c.1576C>T (p.Gln526Ter)

Gene: DYNC2H1 (dynein cytoplasmic 2 heavy chain 1; plus strand). Cytogenetic location: 11q22.3.
Variant type: single nucleotide variant.
Coding change: c.1576C>T on transcript NM_001377.3 (MANE Select); coding-DNA position 1576, C replaced by T.
Protein change: p.Gln526Ter; replaces glutamine 526 with a stop codon.
Molecular consequence: nonsense.
Genome position (GRCh38, 1-based): chr11:103,122,915, C>T. VCF-style: chr11-103122915-C-T. GRCh37 (hg19) VCF-style: chr11-102993644-C-T.
Other names: c.1576C>T, p.Gln526Ter (NM_001080463.2); short protein forms Q526*.
Identifiers: ClinVar variation 4732296 (VCV004732296.1).